The following is an entry in ClinVar:

ClinVar aggregate classification (germline): Uncertain significance (1 of 4 stars; one submission).

gnomAD v4.1: 1 of 1,613,628 alleles (0.000062%); highest among the groups gnomAD compares: Non-Finnish European, 0.000085%; no homozygotes.

Submission:

Labcorp Genetics (formerly Invitae), Labcorp
Classification: Uncertain significance. Last evaluated: 2024-08-11. Review status: criteria provided, single submitter. Criteria: Invitae Variant Classification Sherloc (09022015). Collection method: clinical testing. Allele origin: germline.
Comment: This sequence change replaces proline, which is neutral and non-polar, with leucine, which is neutral and non-polar, at codon 33 of the SLC12A6 protein (p.Pro33Leu). This variant is not present in population databases (gnomAD no frequency). This variant has not been reported in the literature in individuals affected with SLC12A6-related conditions. An algorithm developed to predict the effect of missense changes on protein structure and function (PolyPhen-2) suggests that this variant is likely to be disruptive. In summary, the available evidence is currently insufficient to determine the role of this variant in disease. Therefore, it has been classified as a Variant of Uncertain Significance.

NM_001365088.1(SLC12A6):c.98C>T (p.Pro33Leu)

Gene: SLC12A6 (solute carrier family 12 member 6; minus strand). Cytogenetic location: 15q14.
Variant type: single nucleotide variant.
Coding change: c.98C>T on transcript NM_001365088.1 (MANE Select); coding-DNA position 98, C replaced by T.
Protein change: p.Pro33Leu; replaces proline 33 with leucine.
Molecular consequence: missense variant. On other transcripts: 5 prime UTR variant (2).
Genome position (GRCh38, 1-based): chr15:34,336,583, G>A on the plus strand (C>T on the coding strand, the complement: SLC12A6 is on the minus strand). VCF-style: chr15-34336583-G-A. GRCh37 (hg19) VCF-style: chr15-34628784-G-A.
Other names: c.-80C>T (NM_001042494.2, NM_001042495.2); c.71C>T, p.Pro24Leu (NM_001042496.2); c.98C>T, p.Pro33Leu (NM_001042497.2, NM_133647.2); short protein forms P24L, P33L.
Identifiers: ClinVar variation 3709649 (VCV003709649.2).